The following is an entry in ClinVar:

ClinVar aggregate classification (germline): Uncertain significance (1 of 4 stars; one submission).

Submission:

Labcorp Genetics (formerly Invitae), Labcorp
Classification: Uncertain significance. Last evaluated: 2024-05-02. Review status: criteria provided, single submitter. Criteria: Invitae Variant Classification Sherloc (09022015). Collection method: clinical testing. Allele origin: germline.
Comment: This sequence change creates a premature translational stop signal (p.Glu630*) in the GEN1 gene. While this is not anticipated to result in nonsense mediated decay, it is expected to disrupt the last 279 amino acid(s) of the GEN1 protein. This variant is not present in population databases (gnomAD no frequency). This variant has not been reported in the literature in individuals affected with GEN1-related conditions. Experimental studies and prediction algorithms are not available or were not evaluated, and the functional significance of this variant is currently unknown. In summary, the available evidence is currently insufficient to determine the role of this variant in disease. Therefore, it has been classified as a Variant of Uncertain Significance.

NM_001130009.3(GEN1):c.1888G>T (p.Glu630Ter)

Gene: GEN1 (GEN1 structure-specific endonuclease; plus strand). Cytogenetic location: 2p24.2.
Variant type: single nucleotide variant.
Coding change: c.1888G>T on transcript NM_001130009.3 (MANE Select); coding-DNA position 1888, G replaced by T.
Protein change: p.Glu630Ter; replaces glutamic acid 630 with a stop codon.
Molecular consequence: nonsense.
Genome position (GRCh38, 1-based): chr2:17,781,100, G>T. VCF-style: chr2-17781100-G-T. GRCh37 (hg19) VCF-style: chr2-17962367-G-T.
Other names: c.1888G>T, p.Glu630Ter (NM_182625.5); short protein forms E630*.
Identifiers: ClinVar variation 3651917 (VCV003651917.2).
Genomic context (GRCh38, chr2:17,781,100, plus strand): 5'-TTAAAATCAGAAGTTGAATCAGAGCTATCAGCCATCCCTGATGGCTTTGAAAATATCCCA[G>T]AACAACTGTCCTGTGAATCAGAAAGGTACACTGCAAACATAAAGAAAGTGTTGGATGAGG-3'